The following is an entry in ClinVar:

NM_000639.3(FASLG):c.749A>T (p.Asn250Ile)

Gene: FASLG (Fas ligand; plus strand). Cytogenetic location: 1q24.3.
Variant type: single nucleotide variant.
Coding change: c.749A>T on transcript NM_000639.3 (MANE Select); coding-DNA position 749, A replaced by T.
Protein change: p.Asn250Ile; replaces asparagine 250 with isoleucine.
Molecular consequence: missense variant. On other transcripts: 3 prime UTR variant (1).
Genome position (GRCh38, 1-based): chr1:172,665,919, A>T. VCF-style: chr1-172665919-A-T. GRCh37 (hg19) VCF-style: chr1-172635059-A-T.
Other names: c.*319A>T (NM_001302746.2); short protein forms N250I.
Identifiers: ClinVar variation 293739 (VCV000293739.12), dbSNP rs376317481, ClinGen allele CA1247610.
Genomic context (GRCh38, chr1:172,665,919, plus strand): 5'-TGAGCTACTGCACTACTGGGCAGATGTGGGCCCGCAGCAGCTACCTGGGGGCAGTGTTCA[A>T]TCTTACCAGTGCTGATCATTTATATGTCAACGTATCTGAGCTCTCTCTGGTCAATTTTGA-3'
Protein context (NP_000630.1, residues 240-260): ARSSYLGAVF[Asn250Ile]LTSADHLYVN

ClinVar aggregate classification (germline): Uncertain significance. Review status: criteria provided, multiple submitters, no conflicts (2 of 4 stars). 4 submissions from 4 submitters: Uncertain significance (4). Last evaluated 2025-11-19.

Conditions:
FASLG-related disorder. Also called: FASLG-related condition.
Autoimmune lymphoproliferative syndrome type 1. Also called: AUTOIMMUNE LYMPHOPROLIFERATIVE SYNDROME, TYPE I, AUTOSOMAL DOMINANT. Identifiers: Orphanet 3261, MedGen C2717884, MONDO:0011158, OMIM 601859.

Allele frequency attached by ClinVar (database versions not stated): TOPMed 0.00002.

Submissions (4):

PreventionGenetics, part of Exact Sciences
Classification: Uncertain significance for FASLG-related condition. Last evaluated: 2025-11-19. Review status: criteria provided, single submitter. Criteria: ACMG Guidelines, 2015. Collection method: clinical testing. Allele origin: germline.
Comment: The FASLG c.749A>T variant is predicted to result in the amino acid substitution p.Asn250Ile. To our knowledge, this variant has not been reported in the literature. This variant is reported in 0.070% of alleles in individuals of Ashkenazi Jewish descent in gnomAD, which may be too common to be causative. Although we suspect that this variant may be benign, at this time, the clinical significance of this variant is uncertain due to the absence of conclusive functional and genetic evidence.

Ambry Genetics
Classification: Uncertain significance. Last evaluated: 2023-05-09. Review status: criteria provided, single submitter. Criteria: Ambry Variant Classification Scheme 2023. Collection method: clinical testing. Allele origin: germline.

Labcorp Genetics (formerly Invitae), Labcorp
Classification: Uncertain significance for Autoimmune lymphoproliferative syndrome. Last evaluated: 2022-06-19. Review status: criteria provided, single submitter. Criteria: Invitae Variant Classification Sherloc (09022015). Collection method: clinical testing. Allele origin: germline.
Comment: This sequence change replaces asparagine, which is neutral and polar, with isoleucine, which is neutral and non-polar, at codon 250 of the FASLG protein (p.Asn250Ile). This variant is present in population databases (rs376317481, gnomAD 0.06%). This variant has not been reported in the literature in individuals affected with FASLG-related conditions. ClinVar contains an entry for this variant (Variation ID: 293739). Algorithms developed to predict the effect of missense changes on protein structure and function are either unavailable or do not agree on the potential impact of this missense change (SIFT: "Deleterious"; PolyPhen-2: "Probably Damaging"; Align-GVGD: "Class C15"). In summary, the available evidence is currently insufficient to determine the role of this variant in disease. Therefore, it has been classified as a Variant of Uncertain Significance.

Illumina Laboratory Services, Illumina
Classification: Uncertain significance for Autoimmune lymphoproliferative syndrome type 1. Last evaluated: 2018-01-13. Review status: criteria provided, single submitter. Criteria: ICSL Variant Classification Criteria 13 December 2019. Collection method: clinical testing. Allele origin: germline.